The following is an entry in ClinVar:

NM_177972.3(TUB):c.1117-1G>A

Genes: RIC3 (RIC3 acetylcholine receptor chaperone; minus strand), TUB (TUB bipartite transcription factor; plus strand). Cytogenetic location: 11p15.4.
Variant type: single nucleotide variant.
Coding change: c.1117-1G>A on transcript NM_177972.3 (MANE Select); the canonical splice acceptor site of the intron before coding-DNA position 1117, G replaced by A.
Molecular consequence: splice acceptor variant.
Genome position (GRCh38, 1-based): chr11:8,100,502, G>A. VCF-style: chr11-8100502-G-A. GRCh37 (hg19) VCF-style: chr11-8122049-G-A.
Other names: c.1135-1G>A (NM_001440538.1, NM_001440539.1); c.967-1G>A (NM_001440540.1, NM_001440542.1); c.1282-1G>A (NM_003320.5, NM_003320.4); c.949-1G>A (NM_001440541.1).
Identifiers: ClinVar variation 4910578 (VCV004910578.2).
Genomic context (GRCh38, chr11:8,100,502, plus strand): 5'-CCACCTTCTCCAGTAGGTAAATAGACGCCTCAGGTGGCCAGTGTTGCGTTCTCTTTCCCA[G>A]GAGACAAACGTCTTAGGCTTCAAGGGGCCTCGGAAGATGAGCGTGATTGTCCCAGGCATG-3'

ClinVar aggregate classification (germline): Likely pathogenic. Review status: criteria provided, multiple submitters, no conflicts (2 of 4 stars). 2 submissions from 2 submitters: Likely pathogenic (2). Last evaluated 2026-01-27.

Conditions:
TUB-related disorder. Also called: TUB-related condition.

gnomAD v4.1: 3 of 1,613,886 alleles (0.00019%); highest among the groups gnomAD compares: Non-Finnish European, 0.00025%; no homozygotes.

Submissions (2):

PreventionGenetics, part of Exact Sciences
Classification: Likely pathogenic for TUB-related condition. Last evaluated: 2026-01-27. Review status: criteria provided, single submitter. Criteria: ACMG Guidelines, 2015. Collection method: clinical testing. Allele origin: germline.
Comment: The TUB c.1282-1G>A variant is predicted to disrupt the AG splice acceptor site and interfere with normal splicing. To our knowledge, this variant has not been reported in the literature or in a large population database (gnomAD), indicating this variant is rare. Variants that disrupt the consensus splice acceptor sit in TUB are expected to be pathogenic. This variant is interpreted as likely pathogenic.

Blueprint Genetics
Classification: Likely pathogenic for TUB-related disorders. Last evaluated: 2021-07-21. Review status: criteria provided, single submitter. Criteria: ACMG Guidelines, 2015. Collection method: clinical testing. Allele origin: germline. Affected: yes. Observed: 3 variant alleles.